The following is an entry in ClinVar:

ClinVar aggregate classification (germline): Likely benign. Review status: criteria provided, single submitter (1 of 4 stars). 2 submissions from 2 submitters: Likely benign (1). 1 of the submissions does not count toward it. Last evaluated 2022-05-04.

Conditions:
Joubert syndrome. Also called: JOUBERT-BOLTSHAUSER SYNDROME; Familial aplasia of the vermis. Identifiers: Orphanet 475, MedGen C5979921, MONDO:0018772.
Meckel-Gruber syndrome. Also called: DYSENCEPHALIA SPLANCHNOCYSTICA; GRUBER SYNDROME; Dysencephalia splachnocystica. Identifiers: Orphanet 564, MedGen C0265215, MONDO:0018921.
CC2D2A-related disorder. Also called: CC2D2A-related disorders; CC2D2A-related condition. Identifiers: MedGen CN239313.

Submissions (2):

Labcorp Genetics (formerly Invitae), Labcorp
Classification: Likely benign for Joubert syndrome; Meckel-Gruber syndrome. Last evaluated: 2022-05-04. Review status: criteria provided, single submitter. Criteria: Invitae Variant Classification Sherloc (09022015). Collection method: clinical testing. Allele origin: germline.

PreventionGenetics, part of Exact Sciences
Classification: Likely benign for CC2D2A-related condition. Last evaluated: 2024-07-29. Review status: no assertion criteria provided. Collection method: clinical testing. Allele origin: germline. Not counted in ClinVar's aggregate classification.
Comment: This variant is classified as likely benign based on ACMG/AMP sequence variant interpretation guidelines (Richards et al. 2015 PMID: 25741868, with internal and published modifications).

NM_001378615.1(CC2D2A):c.429T>C (p.Phe143=)

Genes: CC2D2A (coiled-coil and C2 domain containing 2A; plus strand), FBXL5 (F-box and leucine rich repeat protein 5; minus strand). Cytogenetic location: 4p15.32.
Variant type: single nucleotide variant.
Coding change: c.429T>C on transcript NM_001378615.1 (MANE Select); coding-DNA position 429, T replaced by C.
Protein change: p.Phe143=; no amino-acid change (phenylalanine 143 retained).
Molecular consequence: synonymous variant.
Genome position (GRCh38, 1-based): chr4:15,502,914, T>C. VCF-style: chr4-15502914-T-C. GRCh37 (hg19) VCF-style: chr4-15504537-T-C.
Other names: c.429T>C, p.Phe143= (NM_001080522.2); c.282T>C, p.Phe94= (NM_001378617.1).
Identifiers: ClinVar variation 2133544 (VCV002133544.5), dbSNP rs2474890573, ClinGen allele CA438380250.